The following is an entry in ClinVar:

ClinVar aggregate classification (germline): Uncertain significance (1 of 4 stars; one submission).

Allele frequency attached by ClinVar (database versions not stated): gnomAD 0.00001.

Submission:

Labcorp Genetics (formerly Invitae), Labcorp
Classification: Uncertain significance. Last evaluated: 2022-04-09. Review status: criteria provided, single submitter. Criteria: Invitae Variant Classification Sherloc (09022015). Collection method: clinical testing. Allele origin: germline.
Comment: This sequence change replaces glutamine, which is neutral and polar, with lysine, which is basic and polar, at codon 1011 of the LAMC3 protein (p.Gln1011Lys). This variant is present in population databases (no rsID available, gnomAD 0.01%). This variant has not been reported in the literature in individuals affected with LAMC3-related conditions. Algorithms developed to predict the effect of missense changes on protein structure and function (SIFT, PolyPhen-2, Align-GVGD) all suggest that this variant is likely to be tolerated. In summary, the available evidence is currently insufficient to determine the role of this variant in disease. Therefore, it has been classified as a Variant of Uncertain Significance.

NM_006059.4(LAMC3):c.3031C>A (p.Gln1011Lys)

Gene: LAMC3 (laminin subunit gamma 3; plus strand). Cytogenetic location: 9q34.12.
Variant type: single nucleotide variant.
Coding change: c.3031C>A on transcript NM_006059.4 (MANE Select); coding-DNA position 3031, C replaced by A.
Protein change: p.Gln1011Lys; replaces glutamine 1011 with lysine.
Molecular consequence: missense variant.
Genome position (GRCh38, 1-based): chr9:131,069,812, C>A. VCF-style: chr9-131069812-C-A. GRCh37 (hg19) VCF-style: chr9-133945199-C-A.
Other names: short protein forms Q1011K.
Identifiers: ClinVar variation 1917835 (VCV001917835.5), dbSNP rs1200932379, ClinGen allele CA375255788.